The following is an entry in ClinVar:

ClinVar aggregate classification (germline): Pathogenic (1 of 4 stars; one submission).

Conditions:
Pontocerebellar hypoplasia type 2D (PCH2D). Also called: Progressive cerebello-cerebral atrophy. Identifiers: Orphanet 247198, Orphanet 2524, MedGen C3151140, MONDO:0013438, OMIM 613811.

Submission:

Myriad Genetics, Inc.
Classification: Pathogenic for Pontocerebellar hypoplasia type 2D. Last evaluated: 2026-06-09. Review status: criteria provided, single submitter. Criteria: Myriad Autosomal Dominant, Autosomal Recessive and X-Linked Classification Criteria (2023). Collection method: clinical testing. Allele origin: unknown.
Comment: NM_016955.3(SEPSECS):c.452_453delGT(C151Ffs*26) is a frameshift variant classified as pathogenic in the context of pontocerebellar hypoplasia, SEPSECS-related. C151Ffs*26 has not been observed in cases with relevant disease. Relevant functional assessments of this variant are not available in the literature. C151Ffs*26 has not been observed in referenced population frequency databases. In summary, NM_016955.3(SEPSECS):c.452_453delGT(C151Ffs*26) is a frameshift variant in a gene where loss of function is a known mechanism of disease and is predicted to disrupt protein function. Please note: this variant was assessed in the context of healthy population screening.

NM_016955.4(SEPSECS):c.452_453del (p.Cys151fs)

Gene: SEPSECS (Sep (O-phosphoserine) tRNA:Sec (selenocysteine) tRNA synthase; minus strand). Cytogenetic location: 4p15.2.
Variant type: Microsatellite.
Coding change: c.452_453del on transcript NM_016955.4 (MANE Select); coding-DNA positions 452 to 453, 2 bases deleted (GT; older notation c.452_453delGT).
Protein change: p.Cys151fs; shifts the reading frame from cysteine 151.
Molecular consequence: frameshift variant.
Genome position (GRCh38, 1-based): chr4:25,156,131-25,156,132, AC deleted on the plus strand (GT on the coding strand, the reverse complement: SEPSECS is on the minus strand); deleting any 2 consecutive bases within chr4:25,156,131-25,156,135 gives the same sequence; the c. name uses the placement nearest the transcript's 3' end. VCF-style (leftmost placement, unchanged base first): chr4-25156130-AAC-A. GRCh37 (hg19) VCF-style: chr4-25157752-AAC-A.
Other names: c.707_708del, p.Cys236fs (NM_001410714.1); short protein forms C151fs, C236fs.
Identifiers: ClinVar variation 5003900 (VCV005003900.1).